The following is an entry in ClinVar:

NM_001005242.3(PKP2):c.2358-18A>G

Gene: PKP2 (plakophilin 2; minus strand). Cytogenetic location: 12p11.21.
Variant type: single nucleotide variant.
Coding change: c.2358-18A>G on transcript NM_001005242.3 (MANE Select); 18 bases into the intron before coding-DNA position 2358, A replaced by G.
Molecular consequence: intron variant.
Genome position (GRCh38, 1-based): chr12:32,792,749, T>C on the plus strand (A>G on the coding strand, the complement: PKP2 is on the minus strand). VCF-style: chr12-32792749-T-C. GRCh37 (hg19) VCF-style: chr12-32945683-T-C.
Other names: c.2490-18A>G (NM_004572.4).
Identifiers: ClinVar variation 392840 (VCV000392840.1), dbSNP rs937966545, ClinGen allele CA16607257.

ClinVar aggregate classification (germline): Likely benign (1 of 4 stars; one submission).

Allele frequency attached by ClinVar (database versions not stated): TOPMed 0.00002.

Submission:

GeneDx
Classification: Likely benign. Last evaluated: 2017-12-12. Review status: criteria provided, single submitter. Criteria: GeneDx Variant Classification (06012015). Collection method: clinical testing. Allele origin: germline. Affected: yes.
Comment: This variant is considered likely benign or benign based on one or more of the following criteria: it is a conservative change, it occurs at a poorly conserved position in the protein, it is predicted to be benign by multiple in silico algorithms, and/or has population frequency not consistent with disease.